The following is an entry in ClinVar:

ClinVar aggregate classification (germline): Uncertain significance (1 of 4 stars; one submission).

Conditions:
Inborn genetic diseases. Identifiers: MedGen C0950123, MeSH D030342.

Submission:

Ambry Genetics
Classification: Uncertain significance for Inborn genetic diseases. Last evaluated: 2025-09-20. Review status: criteria provided, single submitter. Criteria: Ambry Variant Classification Scheme 2023. Collection method: clinical testing. Allele origin: germline.
Comment: The p.D279H variant (also known as c.835G>C), located in coding exon 10 of the FANCA gene, results from a G to C substitution at nucleotide position 835. The aspartic acid at codon 279 is replaced by histidine, an amino acid with similar properties. This amino acid position is conserved. In addition, this alteration is predicted to be tolerated by in silico analysis. Based on the available evidence, the clinical significance of this variant remains unclear.

NM_000135.4(FANCA):c.835G>C (p.Asp279His)

Gene: FANCA (FA complementation group A; minus strand). Cytogenetic location: 16q24.3.
Variant type: single nucleotide variant.
Coding change: c.835G>C on transcript NM_000135.4 (MANE Select); coding-DNA position 835, G replaced by C.
Protein change: p.Asp279His; replaces aspartic acid 279 with histidine.
Molecular consequence: missense variant.
Genome position (GRCh38, 1-based): chr16:89,799,224, C>G on the plus strand (G>C on the coding strand, the complement: FANCA is on the minus strand). VCF-style: chr16-89799224-C-G. GRCh37 (hg19) VCF-style: chr16-89865632-C-G.
Other names: c.835G>C, p.Asp279His (NM_001018112.3, NM_001286167.3); c.739G>C, p.Asp247His (NM_001351830.2); short protein forms D247H, D279H.
Identifiers: ClinVar variation 4619161 (VCV004619161.1).